The following is an entry in ClinVar:

ClinVar aggregate classification (germline): Likely pathogenic (1 of 4 stars; one submission).

Conditions:
Autosomal recessive polycystic kidney disease (ARPKD). Also called: AR polycystic kidney disease. Identifiers: Orphanet 731, Orphanet 8378, MedGen C0085548, MeSH D017044, MONDO:0009889.

Submission:

Labcorp Genetics (formerly Invitae), Labcorp
Classification: Likely pathogenic for Autosomal recessive polycystic kidney disease. Last evaluated: 2023-04-05. Review status: criteria provided, single submitter. Criteria: Invitae Variant Classification Sherloc (09022015). Collection method: clinical testing. Allele origin: germline.
Comment: This sequence change replaces glutamic acid, which is acidic and polar, with glycine, which is neutral and non-polar, at codon 1995 of the PKHD1 protein (p.Glu1995Gly). This variant is not present in population databases (gnomAD no frequency). This missense change has been observed in individual(s) with polycystic kidney disease (PMID: 11919560; Invitae). In at least one individual the data is consistent with being in trans (on the opposite chromosome) from a pathogenic variant. ClinVar contains an entry for this variant (Variation ID: 458603). Advanced modeling of protein sequence and biophysical properties (such as structural, functional, and spatial information, amino acid conservation, physicochemical variation, residue mobility, and thermodynamic stability) performed at Invitae indicates that this missense variant is expected to disrupt PKHD1 protein function. In summary, the currently available evidence indicates that the variant is pathogenic, but additional data are needed to prove that conclusively. Therefore, this variant has been classified as Likely Pathogenic.

Literature cited by the submitters: PubMed 11919560.

NM_138694.4(PKHD1):c.5984A>G (p.Glu1995Gly)

Gene: PKHD1 (PKHD1 ciliary IPT domain containing fibrocystin/polyductin; minus strand). Cytogenetic location: 6p12.2.
Variant type: single nucleotide variant.
Coding change: c.5984A>G on transcript NM_138694.4 (MANE Select); coding-DNA position 5984, A replaced by G.
Protein change: p.Glu1995Gly; replaces glutamic acid 1995 with glycine.
Molecular consequence: missense variant.
Genome position (GRCh38, 1-based): chr6:51,934,247, T>C on the plus strand (A>G on the coding strand, the complement: PKHD1 is on the minus strand). VCF-style: chr6-51934247-T-C. GRCh37 (hg19) VCF-style: chr6-51799045-T-C.
Other names: c.5984A>G, p.Glu1995Gly (NM_170724.3); short protein forms E1995G.
Identifiers: ClinVar variation 458603 (VCV000458603.9), dbSNP rs1554144359, ClinGen allele CA364417853.
Genomic context (GRCh38, chr6:51,934,247, plus strand): 5'-CCGTAGAGTGTGATCTGAGCTCTGCCTTGGAAGGGCTTGTCTTCGGATCCAATCCGGAGC[T>C]CTCCACCATCAGAAACAAGGATGGCGTGTGCCCTGAGCTCGATGGGTCCTGGGGCCATGA-3'
Protein context (NP_619639.3, residues 1985-2005): AHAILVSDGG[Glu1995Gly]LRIGSEDKPF